The following is an entry in ClinVar:

ClinVar aggregate classification (germline): Uncertain significance (1 of 4 stars; one submission).

Submission:

Ambry Genetics
Classification: Uncertain significance. Last evaluated: 2026-07-16. Review status: criteria provided, single submitter. Criteria: Ambry Variant Classification Scheme 2023. Collection method: clinical testing. Allele origin: germline.
Comment: The p.C79Y variant (also known as c.236G>A), located in coding exon 1 of the MC1R gene, results from a G to A substitution at nucleotide position 236. The cysteine at codon 79 is replaced by tyrosine, an amino acid with highly dissimilar properties. This amino acid position is conserved. In addition, the in silico prediction for this alteration is inconclusive. Based on the available evidence, the clinical significance of this variant remains unclear.

NM_002386.4(MC1R):c.236G>A (p.Cys79Tyr)

Gene: MC1R (melanocortin 1 receptor; plus strand). Cytogenetic location: 16q24.3.
Variant type: single nucleotide variant.
Coding change: c.236G>A on transcript NM_002386.4 (MANE Select); coding-DNA position 236, G replaced by A.
Protein change: p.Cys79Tyr; replaces cysteine 79 with tyrosine.
Molecular consequence: missense variant.
Genome position (GRCh38, 1-based): chr16:89,919,494, G>A. VCF-style: chr16-89919494-G-A. GRCh37 (hg19) VCF-style: chr16-89985902-G-A.
Other names: short protein forms C79Y.
Identifiers: ClinVar variation 5024069 (VCV005024069.1).